The following is an entry in ClinVar:

ClinVar aggregate classification (germline): Uncertain significance (1 of 4 stars; one submission).

Submission:

Labcorp Genetics (formerly Invitae), Labcorp
Classification: Uncertain significance. Last evaluated: 2023-02-04. Review status: criteria provided, single submitter. Criteria: Invitae Variant Classification Sherloc (09022015). Collection method: clinical testing. Allele origin: germline.
Comment: In summary, the available evidence is currently insufficient to determine the role of this variant in disease. Therefore, it has been classified as a Variant of Uncertain Significance. Algorithms developed to predict the effect of missense changes on protein structure and function (SIFT, PolyPhen-2, Align-GVGD) all suggest that this variant is likely to be tolerated. This variant has not been reported in the literature in individuals affected with CREB3L3-related conditions. This variant is not present in population databases (gnomAD no frequency). This sequence change replaces alanine, which is neutral and non-polar, with glutamic acid, which is acidic and polar, at codon 452 of the CREB3L3 protein (p.Ala452Glu).

NM_032607.3(CREB3L3):c.1355C>A (p.Ala452Glu)

Genes: CREB3L3 (cAMP responsive element binding protein 3 like 3; plus strand), LOC125371455 (Sharpr-MPRA regulatory region 11650; plus strand). Cytogenetic location: 19p13.3.
Variant type: single nucleotide variant.
Coding change: c.1355C>A on transcript NM_032607.3 (MANE Select); coding-DNA position 1355, C replaced by A.
Protein change: p.Ala452Glu; replaces alanine 452 with glutamic acid.
Molecular consequence: missense variant. On other transcripts: 3 prime UTR variant (1).
Genome position (GRCh38, 1-based): chr19:4,171,938, C>A. VCF-style: chr19-4171938-C-A. GRCh37 (hg19) VCF-style: chr19-4171935-C-A.
Other names: c.1352C>A, p.Ala451Glu (NM_001271995.2); c.1349C>A, p.Ala450Glu (NM_001271996.2); c.*234C>A (NM_001271997.2); short protein forms A452E, A451E, A450E.
Identifiers: ClinVar variation 2802349 (VCV002802349.3), dbSNP rs2512362090, ClinGen allele CA403410470.